The following is an entry in ClinVar:

NM_001875.5(CPS1):c.1716T>C (p.Asp572=)

Gene: CPS1 (carbamoyl-phosphate synthase 1; plus strand). Cytogenetic location: 2q34.
Variant type: single nucleotide variant.
Coding change: c.1716T>C on transcript NM_001875.5 (MANE Select); coding-DNA position 1716, T replaced by C.
Protein change: p.Asp572=; no amino-acid change (aspartic acid 572 retained).
Molecular consequence: synonymous variant. On other transcripts: non-coding transcript variant (2).
Genome position (GRCh38, 1-based): chr2:210,602,210, T>C. VCF-style: chr2-210602210-T-C. GRCh37 (hg19) VCF-style: chr2-211466934-T-C.
Other names: c.1716T>C (LRG_336t1); c.1716T>C, p.Asp572= (NM_001122633.3, NM_001369257.1); c.1749T>C, p.Asp583= (NM_001369256.1).
Identifiers: ClinVar variation 510736 (VCV000510736.9), dbSNP rs764231738, ClinGen allele CA2086453.

ClinVar aggregate classification (germline): Likely benign. Review status: criteria provided, multiple submitters, no conflicts (2 of 4 stars). 2 submissions from 2 submitters: Likely benign (2). Last evaluated 2023-11-14.

Conditions:
Congenital hyperammonemia, type I. Also called: Carbamoyl-phosphate synthase I deficiency; CPS I DEFICIENCY; Carbamoyl phosphate synthetase 1 deficiency; Hyperammonemia due to carbamoyl phosphate synthetase 1 deficiency; CPS 1 deficiency; Carbamyl phosphate synthetase (CPS) deficiency. Identifiers: Orphanet 147, MedGen C4082171, MONDO:0009376, OMIM 237300.

Allele frequency attached by ClinVar (database versions not stated): ExAC 0.00002; gnomAD exomes 0.00002 and below 0.00001; gnomAD 0.00001.
gnomAD v4.1: 5 of 1,612,212 alleles (0.00031%); highest among the groups gnomAD compares: East Asian, 0.011%; no homozygotes.

Submissions (2):

Labcorp Genetics (formerly Invitae), Labcorp
Classification: Likely benign for Congenital hyperammonemia, type I. Last evaluated: 2023-11-14. Review status: criteria provided, single submitter. Criteria: Invitae Variant Classification Sherloc (09022015). Collection method: clinical testing. Allele origin: germline.

GeneDx
Classification: Likely benign. Last evaluated: 2017-07-27. Review status: criteria provided, single submitter. Criteria: GeneDx Variant Classification (06012015). Collection method: clinical testing. Allele origin: germline. Affected: yes.
Comment: This variant is considered likely benign or benign based on one or more of the following criteria: it is a conservative change, it occurs at a poorly conserved position in the protein, it is predicted to be benign by multiple in silico algorithms, and/or has population frequency not consistent with disease.